The following is an entry in ClinVar:

ClinVar aggregate classification (germline): Uncertain significance (1 of 4 stars; one submission).

Conditions:
RBP4-related disorder. Also called: RBP4-related condition.

Submission:

PreventionGenetics, part of Exact Sciences
Classification: Uncertain significance for RBP4-related condition. Last evaluated: 2024-10-27. Review status: criteria provided, single submitter. Criteria: ACMG Guidelines, 2015. Collection method: clinical testing. Allele origin: germline.
Comment: The RBP4 c.304G>A variant is predicted to result in the amino acid substitution p.Ala102Thr. To our knowledge, this variant has not been reported in the literature or in a large population database (gnomAD), indicating this variant is rare. At this time, the clinical significance of this variant is uncertain due to the absence of conclusive functional and genetic evidence.

NM_006744.4(RBP4):c.304G>A (p.Ala102Thr)

Gene: RBP4 (retinol binding protein 4; minus strand). Cytogenetic location: 10q23.33.
Variant type: single nucleotide variant.
Coding change: c.304G>A on transcript NM_006744.4 (MANE Select); coding-DNA position 304, G replaced by A.
Protein change: p.Ala102Thr; replaces alanine 102 with threonine.
Molecular consequence: missense variant.
Genome position (GRCh38, 1-based): chr10:93,600,444, C>T on the plus strand (G>A on the coding strand, the complement: RBP4 is on the minus strand). VCF-style: chr10-93600444-C-T. GRCh37 (hg19) VCF-style: chr10-95360201-C-T.
Other names: c.304G>A, p.Ala102Thr (NM_001323517.1); c.298G>A, p.Ala100Thr (NM_001323518.2); short protein forms A100T, A102T.
Identifiers: ClinVar variation 5002122 (VCV005002122.1).